The following is an entry in ClinVar:

NM_025114.4(CEP290):c.4936A>C (p.Lys1646Gln)

Gene: CEP290 (centrosomal protein 290; minus strand). Cytogenetic location: 12q21.32.
Variant type: single nucleotide variant.
Coding change: c.4936A>C on transcript NM_025114.4 (MANE Select); coding-DNA position 4936, A replaced by C.
Protein change: p.Lys1646Gln; replaces lysine 1646 with glutamine.
Molecular consequence: missense variant.
Genome position (GRCh38, 1-based): chr12:88,083,107, T>G on the plus strand (A>C on the coding strand, the complement: CEP290 is on the minus strand). VCF-style: chr12-88083107-T-G. GRCh37 (hg19) VCF-style: chr12-88476884-T-G.
Other names: c.4936A>C (NM_025114.3); short protein forms K1646Q.
Identifiers: ClinVar variation 1007010 (VCV001007010.10), dbSNP rs1348715646, ClinGen allele CA385992821.

ClinVar aggregate classification (germline): Uncertain significance. Review status: criteria provided, multiple submitters, no conflicts (2 of 4 stars). 3 submissions from 3 submitters: Uncertain significance (2). 1 of the submissions does not count toward it. Last evaluated 2025-11-04.

Conditions:
Joubert syndrome. Also called: Familial aplasia of the vermis; JOUBERT-BOLTSHAUSER SYNDROME. Identifiers: Orphanet 475, MedGen C5979921, MONDO:0018772.
Nephronophthisis. Also called: Juvenile Nephronophthisis. Identifiers: Orphanet 655, MedGen C0687120, MONDO:0019005, HP:0000090.
Meckel-Gruber syndrome. Also called: DYSENCEPHALIA SPLANCHNOCYSTICA; GRUBER SYNDROME; Dysencephalia splachnocystica. Identifiers: Orphanet 564, MedGen C0265215, MONDO:0018921.
CEP290-related disorder. Also called: CEP290-related disorders; CEP290-related condition. Identifiers: MedGen CN239314.
Leber congenital amaurosis (LCA). Also called: Leber's amaurosis. Identifiers: Orphanet 65, MedGen C0339527, MeSH D057130, MONDO:0018998.

Allele frequency attached by ClinVar (database versions not stated): gnomAD 0.00001.
gnomAD v4.1: 7 of 1,542,166 alleles (0.00045%); highest among the groups gnomAD compares: Non-Finnish European, 0.00061%; no homozygotes.

Submissions (3):

PreventionGenetics, part of Exact Sciences
Classification: Uncertain significance for CEP290-related condition. Last evaluated: 2025-11-04. Review status: criteria provided, single submitter. Criteria: ACMG Guidelines, 2015. Collection method: clinical testing. Allele origin: germline.
Comment: The CEP290 c.4936A>C variant is predicted to result in the amino acid substitution p.Lys1646Gln. To our knowledge, this variant has not been reported in the literature. This variant is reported in 0.0065% of alleles in individuals of European (Non-Finnish) descent in gnomAD. At this time, the clinical significance of this variant is uncertain due to the absence of conclusive functional and genetic evidence.

Labcorp Genetics (formerly Invitae), Labcorp
Classification: Uncertain significance for Joubert syndrome; Meckel-Gruber syndrome; Nephronophthisis. Last evaluated: 2024-02-16. Review status: criteria provided, single submitter. Criteria: Invitae Variant Classification Sherloc (09022015). Collection method: clinical testing. Allele origin: germline.
Comment: This sequence change replaces lysine, which is basic and polar, with glutamine, which is neutral and polar, at codon 1646 of the CEP290 protein (p.Lys1646Gln). This variant is present in population databases (no rsID available, gnomAD 0.007%). This variant has not been reported in the literature in individuals affected with CEP290-related conditions. ClinVar contains an entry for this variant (Variation ID: 1007010). Advanced modeling of protein sequence and biophysical properties (such as structural, functional, and spatial information, amino acid conservation, physicochemical variation, residue mobility, and thermodynamic stability) performed at Invitae indicates that this missense variant is not expected to disrupt CEP290 protein function with a negative predictive value of 80%. In summary, the available evidence is currently insufficient to determine the role of this variant in disease. Therefore, it has been classified as a Variant of Uncertain Significance.

Natera, Inc.
Classification: Uncertain significance for Leber congenital amaurosis. Last evaluated: 2025-03-24. Review status: no assertion criteria provided. Collection method: clinical testing. Allele origin: germline. Not counted in ClinVar's aggregate classification.